The following is an entry in ClinVar:

NM_002281.4(KRT81):c.1312G>A (p.Gly438Arg)

Genes: KRT81 (keratin 81; minus strand), KRT86 (keratin 86; plus strand). Cytogenetic location: 12q13.13.
Variant type: single nucleotide variant.
Coding change: c.1312G>A on transcript NM_002281.4 (MANE Select); coding-DNA position 1312, G replaced by A.
Protein change: p.Gly438Arg; replaces glycine 438 with arginine.
Molecular consequence: missense variant. On other transcripts: intron variant (1).
Genome position (GRCh38, 1-based): chr12:52,286,461, C>T on the plus strand (G>A on the coding strand, the complement: KRT81 is on the minus strand). VCF-style: chr12-52286461-C-T. GRCh37 (hg19) VCF-style: chr12-52680245-C-T.
Other names: c.-5+10515C>T (NM_001320198.2); short protein forms G438R.
Identifiers: ClinVar variation 3052370 (VCV003052370.3), dbSNP rs374136296, ClinGen allele CA6576316.

ClinVar aggregate classification (germline): Uncertain significance. Review status: criteria provided, single submitter (1 of 4 stars). 2 submissions from 2 submitters: Uncertain significance (1). 1 of the submissions does not count toward it. Last evaluated 2021-09-01.

Conditions:
KRT81-related disorder. Also called: KRT81-related condition.

Allele frequency attached by ClinVar (database versions not stated): 1000 Genomes Project 30x 0.00016; ESP Exome Variant Server 0.00016; gnomAD exomes 0.00018; TOPMed 0.00020; gnomAD 0.00021; ExAC 0.00052.
gnomAD v4.1: 308 of 1,552,592 alleles (0.02%); highest among the groups gnomAD compares: South Asian, 0.056%; 1 homozygote.

Submissions (2):

Ambry Genetics
Classification: Uncertain significance. Last evaluated: 2021-09-01. Review status: criteria provided, single submitter. Criteria: Ambry Variant Classification Scheme 2023. Collection method: clinical testing. Allele origin: germline.

PreventionGenetics, part of Exact Sciences
Classification: Likely benign for KRT81-related condition. Last evaluated: 2019-08-16. Review status: no assertion criteria provided. Collection method: clinical testing. Allele origin: germline. Not counted in ClinVar's aggregate classification.
Comment: This variant is classified as likely benign based on ACMG/AMP sequence variant interpretation guidelines (Richards et al. 2015 PMID: 25741868, with internal and published modifications).